The following is an entry in ClinVar:

ClinVar aggregate classification (germline): Uncertain significance. Review status: criteria provided, multiple submitters, no conflicts (2 of 4 stars). 3 submissions from 3 submitters: Uncertain significance (2). 1 of the submissions does not count toward it. Last evaluated 2023-11-08.

Conditions:
Lipase deficiency, combined. Also called: LIPOPROTEIN LIPASE DEFICIENCY WITH HEPATIC TRIGLYCERIDE LIPASE DEFICIENCY; LPL AND HL DEFICIENCY; LPL AND HTGL DEFICIENCY. Identifiers: Orphanet 535453, MedGen C1855498, MONDO:0009527, OMIM 246650.
Cardiovascular phenotype. Identifiers: MedGen CN230736.
LMF1-related disorder. Also called: LMF1-related condition.

Allele frequency attached by ClinVar (database versions not stated): gnomAD 0.00001; TOPMed 0.00001.

Submissions (3):

Ambry Genetics
Classification: Uncertain significance for Cardiovascular phenotype. Last evaluated: 2023-11-08. Review status: criteria provided, single submitter. Criteria: Ambry Variant Classification Scheme 2023. Collection method: clinical testing. Allele origin: germline.
Comment: The p.S160F variant (also known as c.479C>T), located in coding exon 2 of the LMF1 gene, results from a C to T substitution at nucleotide position 479. The serine at codon 160 is replaced by phenylalanine, an amino acid with highly dissimilar properties. This amino acid position is conserved. In addition, this alteration is predicted to be deleterious by in silico analysis. Since supporting evidence is limited at this time, the clinical significance of this alteration remains unclear.

New York Genome Center
Classification: Uncertain significance for Lipase deficiency, combined. Last evaluated: 2021-10-29. Review status: criteria provided, single submitter. Criteria: NYGC Assertion Criteria 2020. Collection method: clinical testing. Allele origin: germline. Observed: 1 heterozygote.

PreventionGenetics, part of Exact Sciences
Classification: Uncertain significance for LMF1-related condition. Last evaluated: 2023-12-12. Review status: no assertion criteria provided. Collection method: clinical testing. Allele origin: germline. Not counted in ClinVar's aggregate classification.
Comment: The LMF1 c.479C>T variant is predicted to result in the amino acid substitution p.Ser160Phe. To our knowledge, this variant has not been reported in the literature. This variant is reported in 0.0029% of alleles in individuals of Latino descent in gnomAD. At this time, the clinical significance of this variant is uncertain due to the absence of conclusive functional and genetic evidence.

NM_022773.4(LMF1):c.479C>T (p.Ser160Phe)

Gene: LMF1 (lipase maturation factor 1; minus strand). Cytogenetic location: 16p13.3.
Variant type: single nucleotide variant.
Coding change: c.479C>T on transcript NM_022773.4 (MANE Select); coding-DNA position 479, C replaced by T.
Protein change: p.Ser160Phe; replaces serine 160 with phenylalanine.
Molecular consequence: missense variant. On other transcripts: 5 prime UTR variant (3), non-coding transcript variant (1).
Genome position (GRCh38, 1-based): chr16:954,381, G>A on the plus strand (C>T on the coding strand, the complement: LMF1 is on the minus strand). VCF-style: chr16-954381-G-A. GRCh37 (hg19) VCF-style: chr16-1004381-G-A.
Other names: c.-325C>T (NM_001352017.2); c.-76C>T (NM_001352018.2); c.152C>T, p.Ser51Phe (NM_001352019.2); c.479C>T, p.Ser160Phe (NM_001352020.1); c.-227C>T (NM_001352021.2); c.479C>T (NM_022773.2); short protein forms S160F, S51F.
Identifiers: ClinVar variation 1803876 (VCV001803876.4), dbSNP rs956451977, ClinGen allele CA276539129.